The following is an entry in ClinVar:

NM_000268.4(NF2):c.769C>T (p.Pro257Ser)

Gene: NF2 (NF2, moesin-ezrin-radixin like (MERLIN) tumor suppressor; plus strand). Cytogenetic location: 22q12.2.
Variant type: single nucleotide variant.
Coding change: c.769C>T on transcript NM_000268.4 (MANE Select); coding-DNA position 769, C replaced by T.
Protein change: p.Pro257Ser; replaces proline 257 with serine.
Molecular consequence: missense variant. On other transcripts: non-coding transcript variant (1), intron variant (1).
Genome position (GRCh38, 1-based): chr22:29,661,298, C>T. VCF-style: chr22-29661298-C-T. GRCh37 (hg19) VCF-style: chr22-30057287-C-T.
Other names: c.769C>T, p.Pro257Ser (NM_016418.5, NM_181825.3, NM_181832.3); c.643C>T, p.Pro215Ser (NM_181828.3); c.646C>T, p.Pro216Ser (NM_181829.3); c.520C>T, p.Pro174Ser (NM_181830.3, NM_181831.3); c.447+19013C>T (NM_181833.3); short protein forms P215S, P216S, P257S, P174S.
Identifiers: ClinVar variation 1045243 (VCV001045243.8), dbSNP rs777059212, ClinGen allele CA323111841.
Genomic context (GRCh38, chr22:29,661,298, plus strand): 5'-GATGCCCTGGGGCTTCACATTTATGACCCTGAGAACAGACTGACCCCCAAGATCTCCTTC[C>T]CGTGGAATGAAATCCGAAACATCTCGTACAGTGACAAGGAGGTAGGACATGTGTGTACTG-3'
Protein context (NP_000259.1, residues 247-267): ENRLTPKISF[Pro257Ser]WNEIRNISYS

ClinVar aggregate classification (germline): Uncertain significance. Review status: criteria provided, multiple submitters, no conflicts (2 of 4 stars). 4 submissions from 4 submitters: Uncertain significance (4). Last evaluated 2025-08-06.

Conditions:
Hereditary cancer-predisposing syndrome. Also called: Neoplastic Syndromes, Hereditary; Hereditary Cancer Syndrome; Hereditary neoplastic syndrome; Tumor predisposition. Identifiers: Orphanet 140162, MedGen C0027672, MeSH D009386, MONDO:0015356.
Neurofibromatosis, type 2 (SWNV). Also called: BILATERAL ACOUSTIC NEUROFIBROMATOSIS; NF2-Related Schwannomatosis; SCHWANNOMATOSIS, VESTIBULAR. Identifiers: Orphanet 637, MedGen C0027832, MONDO:0007039, OMIM 101000. Disease mechanism: loss of function.

Allele frequency attached by ClinVar (database versions not stated): gnomAD exomes below 0.00001; gnomAD 0.00001 and 0.00002; TOPMed 0.00001.

Submissions (4):

GeneDx
Classification: Uncertain significance. Last evaluated: 2025-08-06. Review status: criteria provided, single submitter. Criteria: GeneDx Variant Classification Process June 2021. Collection method: clinical testing. Allele origin: germline. Affected: yes.
Comment: In silico analysis supports that this missense variant has a deleterious effect on protein structure/function; Has not been previously published as pathogenic or benign to our knowledge; This variant is associated with the following publications: (PMID: 11756419, 16324214)

Ambry Genetics
Classification: Uncertain significance for Hereditary cancer-predisposing syndrome. Last evaluated: 2024-03-01. Review status: criteria provided, single submitter. Criteria: Ambry Variant Classification Scheme 2023. Collection method: clinical testing. Allele origin: germline.
Comment: The p.P257S variant (also known as c.769C>T), located in coding exon 8 of the NF2 gene, results from a C to T substitution at nucleotide position 769. The proline at codon 257 is replaced by serine, an amino acid with similar properties. This amino acid position is highly conserved in available vertebrate species. In addition, the in silico prediction for this alteration is inconclusive. Based on the available evidence, the clinical significance of this alteration remains unclear.

All of Us Research Program, National Institutes of Health
Classification: Uncertain significance for Neurofibromatosis, type 2. Last evaluated: 2024-01-11. Review status: criteria provided, single submitter. Criteria: ACMG Guidelines, 2015. Collection method: clinical testing. Allele origin: germline. Inheritance: Autosomal dominant inheritance. Observed: 3 variant alleles, 3 heterozygotes.
Comment: This missense variant replaces proline with serine at codon 257 of the NF2 protein. Computational prediction is inconclusive regarding the impact of this variant on protein structure and function (internally defined REVEL score threshold 0.5 < inconclusive < 0.7, PMID: 27666373). To our knowledge, functional studies have not been reported for this variant. This variant has not been reported in individuals affected with NF2-related disorders in the literature. This variant has been identified in 1/31410 chromosomes in the general population by the Genome Aggregation Database (gnomAD). The available evidence is insufficient to determine the role of this variant in disease conclusively. Therefore, this variant is classified as a Variant of Uncertain Significance.

This study involves interpretation of variants in research participants for the purpose of population health screening. Participant phenotype was not available at the time of variant classification. Additional details can be found in publication PMID: 35346344, PMCID: PMC8962531

Labcorp Genetics (formerly Invitae), Labcorp
Classification: Uncertain significance for Neurofibromatosis, type 2. Last evaluated: 2022-07-13. Review status: criteria provided, single submitter. Criteria: Invitae Variant Classification Sherloc (09022015). Collection method: clinical testing. Allele origin: germline.
Comment: This sequence change replaces proline, which is neutral and non-polar, with serine, which is neutral and polar, at codon 257 of the NF2 protein (p.Pro257Ser). This variant is present in population databases (rs777059212, gnomAD 0.007%). This variant has not been reported in the literature in individuals affected with NF2-related conditions. ClinVar contains an entry for this variant (Variation ID: 1045243). Algorithms developed to predict the effect of missense changes on protein structure and function are either unavailable or do not agree on the potential impact of this missense change (SIFT: "Tolerated"; PolyPhen-2: "Possibly Damaging"; Align-GVGD: "Class C0"). In summary, the available evidence is currently insufficient to determine the role of this variant in disease. Therefore, it has been classified as a Variant of Uncertain Significance.